The following is an entry in ClinVar:

NM_004991.4(MECOM):c.1741G>T (p.Asp581Tyr)

Gene: MECOM (MDS1 and EVI1 complex locus; minus strand). Cytogenetic location: 3q26.2.
Variant type: single nucleotide variant.
Coding change: c.1741G>T on transcript NM_004991.4 (MANE Select); coding-DNA position 1741, G replaced by T.
Protein change: p.Asp581Tyr; replaces aspartic acid 581 with tyrosine.
Molecular consequence: missense variant. On other transcripts: intron variant (2).
Genome position (GRCh38, 1-based): chr3:169,116,131, C>A on the plus strand (G>T on the coding strand, the complement: MECOM is on the minus strand). VCF-style: chr3-169116131-C-A. GRCh37 (hg19) VCF-style: chr3-168833919-C-A.
Other names: c.1372G>T, p.Asp458Tyr (NM_001105077.4); c.1177G>T, p.Asp393Tyr (NM_001105078.4, NM_001164000.2, NM_001205194.2 and 4 more transcripts); c.1180G>T, p.Asp394Tyr (NM_001163999.2, NM_001366467.2, NM_001366468.2 and 1 more transcripts); c.1741G>T, p.Asp581Tyr (NM_001366466.2); c.1133-364G>T (NM_001366473.2); c.569-364G>T (NM_001366474.2); short protein forms D394Y, D393Y, D458Y, D581Y.
Identifiers: ClinVar variation 3871859 (VCV003871859.1).

ClinVar aggregate classification (germline): Uncertain significance (1 of 4 stars; one submission).

Conditions:
Inborn genetic diseases. Identifiers: MedGen C0950123, MeSH D030342.

Submission:

Ambry Genetics
Classification: Uncertain significance for Inborn genetic diseases. Last evaluated: 2025-02-26. Review status: criteria provided, single submitter. Criteria: Ambry Variant Classification Scheme 2023. Collection method: clinical testing. Allele origin: germline.
Comment: The p.D581Y variant (also known as c.1741G>T), located in coding exon 8 of the MECOM gene, results from a G to T substitution at nucleotide position 1741. The aspartic acid at codon 581 is replaced by tyrosine, an amino acid with highly dissimilar properties. This amino acid position is conserved. In addition, the in silico prediction for this alteration is inconclusive. Based on the available evidence, the clinical significance of this variant remains unclear.